The following is an entry in ClinVar:

NM_001032386.2(SUOX):c.221G>A (p.Arg74Gln)

Gene: SUOX (sulfite oxidase; plus strand). Cytogenetic location: 12q13.2.
Variant type: single nucleotide variant.
Coding change: c.221G>A on transcript NM_001032386.2 (MANE Select); coding-DNA position 221, G replaced by A.
Protein change: p.Arg74Gln; replaces arginine 74 with glutamine.
Molecular consequence: missense variant.
Genome position (GRCh38, 1-based): chr12:56,002,713, G>A. VCF-style: chr12-56002713-G-A. GRCh37 (hg19) VCF-style: chr12-56396497-G-A.
Other names: c.221G>A, p.Arg74Gln (NM_000456.3, NM_001032387.2); short protein forms R74Q.
Identifiers: ClinVar variation 1035358 (VCV001035358.7), dbSNP rs201830071, ClinGen allele CA6620903.

ClinVar aggregate classification (germline): Uncertain significance (1 of 4 stars; one submission).

Conditions:
Sulfite oxidase deficiency. Also called: Isolated sulfite oxidase deficiency. Identifiers: Orphanet 833, Orphanet 99731, MedGen C0268624, MONDO:0010089, OMIM 272300, HP:0003643.

Allele frequency attached by ClinVar (database versions not stated): gnomAD 0.00002 and 0.00003; TOPMed 0.00003; ExAC 0.00008; ESP Exome Variant Server 0.00008; gnomAD exomes 0.00008; 1000 Genomes Project 0.00040; 1000 Genomes Project 30x 0.00047.
gnomAD v4.1: 75 of 1,614,048 alleles (0.0046%); highest among the groups gnomAD compares: South Asian, 0.022%; no homozygotes.

Submission:

Labcorp Genetics (formerly Invitae), Labcorp
Classification: Uncertain significance for Sulfite oxidase deficiency. Last evaluated: 2022-08-10. Review status: criteria provided, single submitter. Criteria: Invitae Variant Classification Sherloc (09022015). Collection method: clinical testing. Allele origin: germline.
Comment: This sequence change replaces arginine, which is basic and polar, with glutamine, which is neutral and polar, at codon 74 of the SUOX protein (p.Arg74Gln). This variant is present in population databases (rs201830071, gnomAD 0.03%). This variant has not been reported in the literature in individuals affected with SUOX-related conditions. ClinVar contains an entry for this variant (Variation ID: 1035358). Algorithms developed to predict the effect of missense changes on protein structure and function output the following: SIFT: "Tolerated"; PolyPhen-2: "Benign"; Align-GVGD: "Class C0". The glutamine amino acid residue is found in multiple mammalian species, which suggests that this missense change does not adversely affect protein function. In summary, the available evidence is currently insufficient to determine the role of this variant in disease. Therefore, it has been classified as a Variant of Uncertain Significance.